The following is an entry in ClinVar:

NM_001267550.2(TTN):c.72426A>G (p.Leu24142=)

Genes: TTN (titin; minus strand), TTN-AS1 (TTN antisense RNA 1; plus strand). Cytogenetic location: 2q31.2.
Variant type: single nucleotide variant.
Coding change: c.72426A>G on transcript NM_001267550.2 (MANE Select); coding-DNA position 72426, A replaced by G.
Protein change: p.Leu24142=; no amino-acid change (leucine 24142 retained).
Molecular consequence: synonymous variant.
Genome position (GRCh38, 1-based): chr2:178,573,706, T>C on the plus strand (A>G on the coding strand, the complement: TTN is on the minus strand). VCF-style: chr2-178573706-T-C. GRCh37 (hg19) VCF-style: chr2-179438433-T-C.
Other names: c.67503A>G, p.Leu22501= (NM_001256850.1); c.45231A>G, p.Leu15077= (NM_003319.4); c.64722A>G, p.Leu21574= (NM_133378.4); c.45606A>G, p.Leu15202= (NM_133432.3); c.45807A>G, p.Leu15269= (NM_133437.4).
Identifiers: ClinVar variation 669285 (VCV000669285.26), dbSNP rs747483481, ClinGen allele CA1990504.

ClinVar aggregate classification (germline): Likely benign. Review status: criteria provided, multiple submitters, no conflicts (2 of 4 stars). 4 submissions from 4 submitters: Likely benign (4). Last evaluated 2026-08-01.

Conditions:
Cardiovascular phenotype. Identifiers: MedGen CN230736.
Dilated cardiomyopathy 1G (CMD1G). Identifiers: Orphanet 154, MedGen C1858763, MONDO:0011400, OMIM 604145.
Autosomal recessive limb-girdle muscular dystrophy type 2J (LGMDR10). Also called: Limb-girdle muscular dystrophy, type 2J; MUSCULAR DYSTROPHY, LIMB-GIRDLE, AUTOSOMAL RECESSIVE 10. Identifiers: Orphanet 140922, MedGen C1837342, MONDO:0012127, OMIM 608807.

Allele frequency attached by ClinVar (database versions not stated): ExAC 0.00001; gnomAD 0.00001; gnomAD exomes 0.00001.
gnomAD v4.1: 10 of 1,540,864 alleles (0.00065%); highest among the groups gnomAD compares: Admixed American, 0.002%; no homozygotes.

Submissions (4):

CeGaT Center for Human Genetics Tuebingen
Classification: Likely benign. Last evaluated: 2026-08-01. Review status: criteria provided, single submitter. Criteria: CeGaT Center For Human Genetics Tuebingen Variant Classification Criteria Version 2. Collection method: clinical testing. Allele origin: germline. Affected: yes. Observed: 2 variant alleles.
Comment: TTN: BP4, BP7

Labcorp Genetics (formerly Invitae), Labcorp
Classification: Likely benign for Dilated cardiomyopathy 1G; Autosomal recessive limb-girdle muscular dystrophy type 2J. Last evaluated: 2026-01-07. Review status: criteria provided, single submitter. Criteria: Invitae Variant Classification Sherloc (09022015). Collection method: clinical testing. Allele origin: germline.

Ambry Genetics
Classification: Likely benign for Cardiovascular phenotype. Last evaluated: 2023-01-28. Review status: criteria provided, single submitter. Criteria: Ambry Variant Classification Scheme 2023. Collection method: clinical testing. Allele origin: germline.

GeneDx
Classification: Likely benign. Last evaluated: 2018-06-01. Review status: criteria provided, single submitter. Criteria: GeneDx Variant Classification (06012015). Collection method: clinical testing. Allele origin: germline. Affected: yes.
Comment: This variant is considered likely benign or benign based on one or more of the following criteria: it is a conservative change, it occurs at a poorly conserved position in the protein, it is predicted to be benign by multiple in silico algorithms, and/or has population frequency not consistent with disease.